The following is an entry in ClinVar:

ClinVar aggregate classification (germline): Conflicting classifications of pathogenicity. Review status: criteria provided, conflicting classifications (1 of 4 stars). 3 submissions from 2 submitters: Uncertain significance (2); Likely benign (1). Last evaluated 2024-12-03.

Conditions:
Neuropathy, hereditary sensory and autonomic, type 2A (HSAN2A). Also called: HSAN IIA; WNK1-Related HSAN2 (HSAN2A); ACROOSTEOLYSIS, GIACCAI TYPE; ACROOSTEOLYSIS, NEUROGENIC; MORVAN DISEASE; NEUROPATHY, CONGENITAL SENSORY. Identifiers: Orphanet 970, MedGen C2752089, MONDO:0024309, OMIM 201300.
Generalized epilepsy with febrile seizures plus, type 7 (GEFSP7). Also called: GEFS+, TYPE 7. Identifiers: Orphanet 36387, MedGen C2751778, MONDO:0013470, OMIM 613863.
Paroxysmal extreme pain disorder (PEXPD). Also called: SCN9A Paroxysmal Extreme Pain Disorder (SCN9A-PEPD); PAIN, SUBMANDIBULAR, OCULAR, AND RECTAL, WITH FLUSHING; RECTAL PAIN, FAMILIAL. Identifiers: Orphanet 46348, MedGen C1833661, MONDO:0008179, OMIM 167400.
Channelopathy-associated congenital insensitivity to pain, autosomal recessive. Also called: ASYMBOLIA FOR PAIN; CONGENITAL ANALGESIA, AUTOSOMAL RECESSIVE; Insensitivity to pain, channelopathy-associated. Identifiers: Orphanet 88642, Orphanet 970, MedGen C1855739, MONDO:0009459, OMIM 243000.

Allele frequency attached by ClinVar (database versions not stated): ExAC 0.00003; gnomAD exomes 0.00003 and 0.00001.
gnomAD v4.1: 8 of 1,612,966 alleles (0.0005%); highest among the groups gnomAD compares: Admixed American, 0.013%; no homozygotes.

Submissions (3):

Labcorp Genetics (formerly Invitae), Labcorp
Classification: Uncertain significance for Neuropathy, hereditary sensory and autonomic, type 2A; Generalized epilepsy with febrile seizures plus, type 7. Last evaluated: 2024-12-03. Review status: criteria provided, single submitter. Criteria: Invitae Variant Classification Sherloc (09022015). Collection method: clinical testing. Allele origin: germline.
Comment: This sequence change replaces proline, which is neutral and non-polar, with threonine, which is neutral and polar, at codon 229 of the SCN9A protein (p.Pro229Thr). This variant is present in population databases (rs755653914, gnomAD 0.02%). This variant has not been reported in the literature in individuals affected with SCN9A-related conditions. ClinVar contains an entry for this variant (Variation ID: 331998). Invitae Evidence Modeling of protein sequence and biophysical properties (such as structural, functional, and spatial information, amino acid conservation, physicochemical variation, residue mobility, and thermodynamic stability) indicates that this missense variant is not expected to disrupt SCN9A protein function with a negative predictive value of 95%. In summary, the available evidence is currently insufficient to determine the role of this variant in disease. Therefore, it has been classified as a Variant of Uncertain Significance.

Illumina Laboratory Services, Illumina
Classification: Likely benign for Paroxysmal extreme pain disorder. Last evaluated: 2018-01-12. Review status: criteria provided, single submitter. Criteria: ICSL Variant Classification Criteria 13 December 2019. Collection method: clinical testing. Allele origin: germline.
Comment: This variant was observed in the ICSL laboratory as part of a predisposition screen in an ostensibly healthy population. It had not been previously curated by ICSL or reported in the Human Gene Mutation Database (HGMD: prior to June 1st, 2018), and was therefore a candidate for classification through an automated scoring system. Utilizing variant allele frequency, disease prevalence and penetrance estimates, and inheritance mode, an automated score was calculated to assess if this variant is too frequent to cause the disease. Based on the score and internal cut-off values, a variant classified as likely benign is not then subjected to further curation. The score for this variant resulted in a classification of likely benign for this disease.

Illumina Laboratory Services, Illumina
Classification: Uncertain significance for Channelopathy-associated congenital insensitivity to pain, autosomal recessive. Last evaluated: 2018-01-12. Review status: criteria provided, single submitter. Criteria: ICSL Variant Classification Criteria 13 December 2019. Collection method: clinical testing. Allele origin: germline.

NM_001365536.1(SCN9A):c.685C>A (p.Pro229Thr)

Gene: SCN9A (sodium voltage-gated channel alpha subunit 9; minus strand). Cytogenetic location: 2q24.3.
Variant type: single nucleotide variant.
Coding change: c.685C>A on transcript NM_001365536.1 (MANE Select); coding-DNA position 685, C replaced by A.
Protein change: p.Pro229Thr; replaces proline 229 with threonine.
Molecular consequence: missense variant.
Genome position (GRCh38, 1-based): chr2:166,304,241, G>T on the plus strand (C>A on the coding strand, the complement: SCN9A is on the minus strand). VCF-style: chr2-166304241-G-T. GRCh37 (hg19) VCF-style: chr2-167160751-G-T.
Other names: c.685C>A, p.Pro229Thr (NM_002977.4); short protein forms P229T.
Identifiers: ClinVar variation 331998 (VCV000331998.15), dbSNP rs755653914, ClinGen allele CA1944733.